The following is an entry in ClinVar:

NM_020812.4(DOCK6):c.466C>G (p.Gln156Glu)

Gene: DOCK6 (dedicator of cytokinesis 6; minus strand). Cytogenetic location: 19p13.2.
Variant type: single nucleotide variant.
Coding change: c.466C>G on transcript NM_020812.4 (MANE Select); coding-DNA position 466, C replaced by G.
Protein change: p.Gln156Glu; replaces glutamine 156 with glutamic acid.
Molecular consequence: missense variant.
Genome position (GRCh38, 1-based): chr19:11,252,160, G>C on the plus strand (C>G on the coding strand, the complement: DOCK6 is on the minus strand). VCF-style: chr19-11252160-G-C. GRCh37 (hg19) VCF-style: chr19-11362836-G-C.
Other names: c.466C>G, p.Gln156Glu (NM_001367830.1); short protein forms Q156E.
Identifiers: ClinVar variation 1716349 (VCV001716349.3), dbSNP rs779444029, ClinGen allele CA404117771.
Genomic context (GRCh38, chr19:11,252,160, plus strand): 5'-CAGCCAGGGGCTTCCTCACCGAGTCCTCAGGGCCGGACCTCTCGTCTCCAGAAGCATCCT[G>C]CTCAAAGACCTGGCGGGGGAGGCCCTTCTGTCGCTCCCGCTGTGTGTCTGTGGTGACGGG-3'
Protein context (NP_065863.2, residues 146-166): QKGLPRQVFE[Gln156Glu]DASGDERSGP

ClinVar aggregate classification (germline): Uncertain significance (1 of 4 stars; one submission).

Submission:

Labcorp Genetics (formerly Invitae), Labcorp
Classification: Uncertain significance. Last evaluated: 2022-08-21. Review status: criteria provided, single submitter. Criteria: Invitae Variant Classification Sherloc (09022015). Collection method: clinical testing. Allele origin: germline.
Comment: This sequence change replaces glutamine, which is neutral and polar, with glutamic acid, which is acidic and polar, at codon 156 of the DOCK6 protein (p.Gln156Glu). This variant is not present in population databases (gnomAD no frequency). This variant has not been reported in the literature in individuals affected with DOCK6-related conditions. Algorithms developed to predict the effect of missense changes on protein structure and function (SIFT, PolyPhen-2, Align-GVGD) all suggest that this variant is likely to be tolerated. In summary, the available evidence is currently insufficient to determine the role of this variant in disease. Therefore, it has been classified as a Variant of Uncertain Significance.